The following is an entry in ClinVar:

NM_000440.3(PDE6A):c.1607A>G (p.His536Arg)

Gene: PDE6A (phosphodiesterase 6A; minus strand). Cytogenetic location: 5q32.
Variant type: single nucleotide variant.
Coding change: c.1607A>G on transcript NM_000440.3 (MANE Select); coding-DNA position 1607, A replaced by G.
Protein change: p.His536Arg; replaces histidine 536 with arginine.
Molecular consequence: missense variant.
Genome position (GRCh38, 1-based): chr5:149,896,369, T>C on the plus strand (A>G on the coding strand, the complement: PDE6A is on the minus strand). VCF-style: chr5-149896369-T-C. GRCh37 (hg19) VCF-style: chr5-149275932-T-C.
Other names: short protein forms H536R.
Identifiers: ClinVar variation 1521613 (VCV001521613.9), dbSNP rs890622058, ClinGen allele CA129068020.

ClinVar aggregate classification (germline): Uncertain significance. Review status: criteria provided, single submitter (1 of 4 stars). 2 submissions from 2 submitters: Uncertain significance (1). 1 of the submissions does not count toward it. Last evaluated 2020-10-24.

Conditions:
Retinal dystrophy. Also called: Inherited retinal dystrophy. Identifiers: Orphanet 71862, MedGen C0854723, MeSH D058499, MONDO:0019118, HP:0000556.

Allele frequency attached by ClinVar (database versions not stated): gnomAD exomes below 0.00001; TOPMed below 0.00001; gnomAD 0.00001.
gnomAD v4.1: 7 of 1,613,660 alleles (0.00043%); highest among the groups gnomAD compares: Non-Finnish European, 0.00059%; no homozygotes.

Submissions (2):

Labcorp Genetics (formerly Invitae), Labcorp
Classification: Uncertain significance. Last evaluated: 2020-10-24. Review status: criteria provided, single submitter. Criteria: Invitae Variant Classification Sherloc (09022015). Collection method: clinical testing. Allele origin: germline.
Comment: In summary, the available evidence is currently insufficient to determine the role of this variant in disease. Therefore, it has been classified as a Variant of Uncertain Significance. Algorithms developed to predict the effect of missense changes on protein structure and function are either unavailable or do not agree on the potential impact of this missense change (SIFT: "Tolerated"; PolyPhen-2: "Probably Damaging"; Align-GVGD: "Class C0"). This variant has not been reported in the literature in individuals with PDE6A-related conditions. This variant is not present in population databases (ExAC no frequency). This sequence change replaces histidine with arginine at codon 536 of the PDE6A protein (p.His536Arg). The histidine residue is highly conserved and there is a small physicochemical difference between histidine and arginine.

Institute of Human Genetics, Univ. Regensburg, Univ. Regensburg
Classification: Uncertain significance for Retinal dystrophy. Last evaluated: 2014-01-01. Review status: no assertion criteria provided. Criteria: ACMG Guidelines, 2015. Collection method: clinical testing. Allele origin: germline. Affected: yes. Not counted in ClinVar's aggregate classification.